The following is an entry in ClinVar:

ClinVar aggregate classification (germline): Uncertain significance (1 of 4 stars; one submission).

Conditions:
Osteogenesis imperfecta type 7 (OI7). Also called: OSTEOGENESIS IMPERFECTA, TYPE IIB; Osteogenesis imperfecta type 2B; OI type 2B; Osteogenesis imperfecta, perinatal lethal autosomal recessive; OI type IIB; OI type 7. Identifiers: MedGen C1853162, MONDO:0012536, OMIM 610682.

gnomAD v4.1: 1 of 1,613,952 alleles (0.000062%); highest among the groups gnomAD compares: Non-Finnish European, 0.000085%; no homozygotes.

Submission:

Labcorp Genetics (formerly Invitae), Labcorp
Classification: Uncertain significance for Osteogenesis imperfecta type 7. Last evaluated: 2025-09-24. Review status: criteria provided, single submitter. Criteria: Invitae Variant Classification Sherloc (09022015). Collection method: clinical testing. Allele origin: germline.
Comment: This sequence change replaces arginine, which is basic and polar, with lysine, which is basic and polar, at codon 355 of the CRTAP protein (p.Arg355Lys). This variant is not present in population databases (gnomAD no frequency). This variant has not been reported in the literature in individuals affected with CRTAP-related conditions. Invitae Evidence Modeling of protein sequence and biophysical properties (such as structural, functional, and spatial information, amino acid conservation, physicochemical variation, residue mobility, and thermodynamic stability) indicates that this missense variant is expected to disrupt CRTAP protein function with a positive predictive value of 80%. In summary, the available evidence is currently insufficient to determine the role of this variant in disease. Therefore, it has been classified as a Variant of Uncertain Significance.

NM_006371.5(CRTAP):c.1064G>A (p.Arg355Lys)

Gene: CRTAP (cartilage associated protein; plus strand). Cytogenetic location: 3p22.3.
Variant type: single nucleotide variant.
Coding change: c.1064G>A on transcript NM_006371.5 (MANE Select); coding-DNA position 1064, G replaced by A.
Protein change: p.Arg355Lys; replaces arginine 355 with lysine.
Molecular consequence: missense variant.
Genome position (GRCh38, 1-based): chr3:33,132,696, G>A. VCF-style: chr3-33132696-G-A. GRCh37 (hg19) VCF-style: chr3-33174188-G-A.
Other names: c.1064G>A, p.Arg355Lys (NM_001393363.1); c.935G>A, p.Arg312Lys (NM_001393364.1); c.914G>A, p.Arg305Lys (NM_001393365.1); short protein forms R305K, R355K, R312K.
Identifiers: ClinVar variation 4743327 (VCV004743327.1).
Genomic context (GRCh38, chr3:33,132,696, plus strand): 5'-TGGTGTATTACCAGTACCACAGGGACACTTGGGGCCTCTCGGATGAGCACTTCCAGCCCA[G>A]ACCTGTAAGTCTGGTGCACCACACCTTCCCTTTTCTCTTCATTCTTGCCTTCTGGAGACT-3'
Protein context (NP_006362.1, residues 345-365): WGLSDEHFQP[Arg355Lys]PEAVQFFNVT